The following is an entry in ClinVar:

ClinVar aggregate classification (germline): Uncertain significance (1 of 4 stars; one submission).

Conditions:
KBG syndrome (KBGS). Also called: ANKRD11-Related KBG Syndrome. Identifiers: Orphanet 2332, MedGen C0220687, MONDO:0007846, OMIM 148050.

Allele frequency attached by ClinVar (database versions not stated): ExAC 0.00001; gnomAD 0.00001; 1000 Genomes Project 0.00020; 1000 Genomes Project 30x 0.00031.
gnomAD v4.1: 1 of 1,613,786 alleles (0.000062%); highest among the groups gnomAD compares: African/African-American, 0.0013%; no homozygotes.

Submission:

Victorian Clinical Genetics Services, Murdoch Childrens Research Institute
Classification: Uncertain significance for KBG syndrome. Last evaluated: 2020-06-11. Review status: criteria provided, single submitter. Criteria: ACMG Guidelines, 2015. Collection method: clinical testing. Allele origin: germline. Inheritance: Autosomal dominant inheritance.
Comment: Based on the classification scheme VCGS_Germline_v1.1.1, this variant is classified as VUS - 3C. Following criteria are met: 0102 - Loss-of-function is a known mechanism of disease for this gene. (N) 0107 - This gene is known to be associated with autosomal dominant disease. (N) 0200 - Variant is predicted to result in a missense amino acid change from an alanine to a threonine (exon 3). (N) 0251 - Variant is heterozygous. (N) 0302 - Variant is present in gnomAD <0.001 for a dominant condition (1 heterozygote, 0 homozygotes). (P) 0504 - Same amino acid change has been observed in mammals. (B) 0604 - Variant is not located in an established domain, motif, hotspot or informative constraint region. (N) 0705 - No comparable variants have previous evidence for pathogenicity. (N) 0807 - Variant has not previously been reported in a clinical context. (N) 0905 - No segregation evidence has been identified for this variant. (N) 1007 - No published functional evidence has been identified for this variant. (N) 1208 - Inheritance information for this variant is not currently available. (N) Legend: (P) - Pathogenic, (N) - Neutral, (B) - Benign

NM_013275.6(ANKRD11):c.25G>A (p.Ala9Thr)

Gene: ANKRD11 (ankyrin repeat domain 11; minus strand). Cytogenetic location: 16q24.3.
Variant type: single nucleotide variant.
Coding change: c.25G>A on transcript NM_013275.6 (MANE Select); coding-DNA position 25, G replaced by A.
Protein change: p.Ala9Thr; replaces alanine 9 with threonine.
Molecular consequence: missense variant. On other transcripts: non-coding transcript variant (1).
Genome position (GRCh38, 1-based): chr16:89,316,995, C>T on the plus strand (G>A on the coding strand, the complement: ANKRD11 is on the minus strand). VCF-style: chr16-89316995-C-T. GRCh37 (hg19) VCF-style: chr16-89383403-C-T.
Other names: c.25G>A, p.Ala9Thr (NM_001256182.2, NM_001256183.2); short protein forms A9T.
Identifiers: ClinVar variation 1805326 (VCV001805326.1), dbSNP rs552202438, ClinGen allele CA8243287.
Genomic context (GRCh38, chr16:89,316,995, plus strand): 5'-TTTTCCCAGTCTGCTTCTCCACCATGTCGCTGCTGAGGGGAAGCTCTTCCTGCTGTGGTG[C>T]TTTAGGGCACCCACCCTTGGGCATCGTCCTGCTCCTCACCCGATCTTCATTTACACGGCC-3'
Protein context (NP_037407.4, residues 1-19): MPKGGCPK[Ala9Thr]PQQEELPLSS